The following is an entry in ClinVar:

ClinVar aggregate classification (germline): Conflicting classifications of pathogenicity. Review status: criteria provided, conflicting classifications (1 of 4 stars). 4 submissions from 4 submitters: Uncertain significance (3); Likely benign (1). Last evaluated 2026-05-28.

Conditions:
Idiopathic Pulmonary Fibrosis. Also called: Idiopathic fibrosing alveolitis, chronic form; idiopathic fibrosing alveolitis. Identifiers: Orphanet 2032, MedGen C1800706, MeSH D054990, MONDO:0800504.
Dyskeratosis congenita, autosomal dominant 2. Identifiers: MedGen C3151443, MONDO:0013521, OMIM 613989.
TERT-related disorder. Also called: TERT-related disorders; TERT-related condition.
Dyskeratosis congenita. Identifiers: Orphanet 1775, MedGen C0265965, MONDO:0015780.

Allele frequency attached by ClinVar (database versions not stated): gnomAD exomes 0.00001 and 0.00002; ExAC 0.00002; gnomAD 0.00002; TOPMed 0.00002.
gnomAD v4.1: 16 of 1,614,048 alleles (0.00099%); highest among the groups gnomAD compares: Admixed American, 0.0067%; no homozygotes.

Submissions (4):

PreventionGenetics, part of Exact Sciences
Classification: Uncertain significance for TERT-related condition. Last evaluated: 2026-05-28. Review status: criteria provided, single submitter. Criteria: ACMG Guidelines, 2015. Collection method: clinical testing. Allele origin: germline.
Comment: The TERT c.2885G>A variant is predicted to result in the amino acid substitution p.Arg962His. To our knowledge, this variant has not been reported in the literature. This variant is reported in 0.0085% of alleles in individuals of Latino descent in gnomAD. At this time, the clinical significance of this variant is uncertain due to the absence of conclusive functional and genetic evidence.

Labcorp Genetics (formerly Invitae), Labcorp
Classification: Likely benign for Dyskeratosis congenita, autosomal dominant 2; Idiopathic Pulmonary Fibrosis. Last evaluated: 2026-01-20. Review status: criteria provided, single submitter. Criteria: Invitae Variant Classification Sherloc (09022015). Collection method: clinical testing. Allele origin: germline.

Ambry Genetics
Classification: Uncertain significance for Dyskeratosis congenita. Last evaluated: 2025-06-25. Review status: criteria provided, single submitter. Criteria: Ambry Variant Classification Scheme 2023. Collection method: clinical testing. Allele origin: germline.
Comment: The p.R962H variant (also known as c.2885G>A), located in coding exon 12 of the TERT gene, results from a G to A substitution at nucleotide position 2885. The arginine at codon 962 is replaced by histidine, an amino acid with highly similar properties. This variant was reported in individual(s) with idiopathic pulmonary fibrosis (Alonso-Gonz&aacute;lez A et al. Eur J Hum Genet, 2025 Jan;:). This amino acid position is poorly conserved in available vertebrate species. In addition, this alteration is predicted to be tolerated by in silico analysis. Based on the available evidence, the clinical significance of this variant remains unclear.

St. Jude Molecular Pathology, St. Jude Children's Research Hospital
Classification: Uncertain significance for Dyskeratosis congenita, autosomal dominant 2. Last evaluated: 2023-03-15. Review status: criteria provided, single submitter. Criteria: St. Jude Assertion Criteria 2020. Collection method: clinical testing. Allele origin: germline.
Comment: The TERT c.2885G>A (p.Arg962His) missense change has a maximum subpopulation frequency of 0.0085% in gnomAD v2.1.1. The in silico tool REVEL predicts a benign effect on protein function, but to our knowledge this prediction has not been confirmed by functional studies. To our knowledge, this variant has not been reported in individuals with clinical features of dyskeratosis congenita. In summary, the evidence currently available is insufficient to determine the clinical significance of this variant. It has therefore been classified as of uncertain significance.

Literature cited by the submitters: PubMed 39748130 (cited by Ambry Genetics).

NM_198253.3(TERT):c.2885G>A (p.Arg962His)

Gene: TERT (telomerase reverse transcriptase; minus strand). Cytogenetic location: 5p15.33.
Variant type: single nucleotide variant.
Coding change: c.2885G>A on transcript NM_198253.3 (MANE Select); coding-DNA position 2885, G replaced by A.
Protein change: p.Arg962His; replaces arginine 962 with histidine.
Molecular consequence: missense variant. On other transcripts: non-coding transcript variant (2).
Genome position (GRCh38, 1-based): chr5:1,260,559, C>T on the plus strand (G>A on the coding strand, the complement: TERT is on the minus strand). VCF-style: chr5-1260559-C-T. GRCh37 (hg19) VCF-style: chr5-1260674-C-T.
Other names: c.2696G>A, p.Arg899His (NM_001193376.3); short protein forms R962H, R899H.
Identifiers: ClinVar variation 471879 (VCV000471879.14), dbSNP rs759490631, ClinGen allele CA3184350.